The following is an entry in ClinVar:

ClinVar aggregate classification (germline): Conflicting classifications of pathogenicity. Review status: criteria provided, conflicting classifications (1 of 4 stars). 2 submissions from 2 submitters: Uncertain significance (1); Likely benign (1). Last evaluated 2024-08-31.

Conditions:
Arrhythmogenic right ventricular dysplasia 13. Also called: ARRHYTHMOGENIC RIGHT VENTRICULAR CARDIOMYOPATHY 13; Arrhythmogenic right ventricular dysplasia, familial, 13. Identifiers: MedGen C3810138, MONDO:0000908, OMIM 615616.

Allele frequency attached by ClinVar (database versions not stated): gnomAD exomes below 0.00001; ExAC 0.00001; gnomAD 0.00002.
gnomAD v4.1: 10 of 1,614,104 alleles (0.00062%); highest among the groups gnomAD compares: Middle Eastern, 0.016%; no homozygotes.

Submissions (2):

Labcorp Genetics (formerly Invitae), Labcorp
Classification: Uncertain significance for Arrhythmogenic right ventricular dysplasia 13. Last evaluated: 2024-08-31. Review status: criteria provided, single submitter. Criteria: Invitae Variant Classification Sherloc (09022015). Collection method: clinical testing. Allele origin: germline.
Comment: This sequence change replaces valine, which is neutral and non-polar, with alanine, which is neutral and non-polar, at codon 241 of the CTNNA3 protein (p.Val241Ala). This variant is present in population databases (rs540006729, gnomAD 0.02%). This variant has not been reported in the literature in individuals affected with CTNNA3-related conditions. ClinVar contains an entry for this variant (Variation ID: 2640516). Invitae Evidence Modeling of protein sequence and biophysical properties (such as structural, functional, and spatial information, amino acid conservation, physicochemical variation, residue mobility, and thermodynamic stability) indicates that this missense variant is not expected to disrupt CTNNA3 protein function with a negative predictive value of 80%. In summary, the available evidence is currently insufficient to determine the role of this variant in disease. Therefore, it has been classified as a Variant of Uncertain Significance.

CeGaT Center for Human Genetics Tuebingen
Classification: Likely benign. Last evaluated: 2022-04-01. Review status: criteria provided, single submitter. Criteria: CeGaT Center For Human Genetics Tuebingen Variant Classification Criteria Version 2. Collection method: clinical testing. Allele origin: germline. Affected: yes. Observed: 1 variant allele.
Comment: CTNNA3: BP4

NM_013266.4(CTNNA3):c.722T>C (p.Val241Ala)

Gene: CTNNA3 (catenin alpha 3; minus strand). Cytogenetic location: 10q21.3.
Variant type: single nucleotide variant.
Coding change: c.722T>C on transcript NM_013266.4 (MANE Select); coding-DNA position 722, T replaced by C.
Protein change: p.Val241Ala; replaces valine 241 with alanine.
Molecular consequence: missense variant.
Genome position (GRCh38, 1-based): chr10:67,219,728, A>G on the plus strand (T>C on the coding strand, the complement: CTNNA3 is on the minus strand). VCF-style: chr10-67219728-A-G. GRCh37 (hg19) VCF-style: chr10-68979486-A-G.
Other names: c.722T>C, p.Val241Ala (NM_001127384.3); c.758T>C, p.Val253Ala (NM_001291133.2); short protein forms V241A, V253A.
Identifiers: ClinVar variation 2640516 (VCV002640516.27), dbSNP rs540006729, ClinGen allele CA5520513.